The following is an entry in ClinVar:

NM_021008.4(DEAF1):c.430G>A (p.Glu144Lys)

Gene: DEAF1 (DEAF1 transcription factor; minus strand). Cytogenetic location: 11p15.5.
Variant type: single nucleotide variant.
Coding change: c.430G>A on transcript NM_021008.4 (MANE Select); coding-DNA position 430, G replaced by A.
Protein change: p.Glu144Lys; replaces glutamic acid 144 with lysine.
Molecular consequence: missense variant. On other transcripts: 5 prime UTR variant (3), intron variant (1).
Genome position (GRCh38, 1-based): chr11:688,418, C>T on the plus strand (G>A on the coding strand, the complement: DEAF1 is on the minus strand). VCF-style: chr11-688418-C-T. GRCh37 (hg19) VCF-style: chr11-688418-C-T.
Other names: c.430G>A, p.Glu144Lys (NM_001293634.2, NM_001440883.1, NM_001440884.1); c.-297G>A (NM_001367390.1, NM_001440886.1, NM_001440887.1); c.-209-361G>A (NM_001440885.1); short protein forms E144K.
Identifiers: ClinVar variation 4880876 (VCV004880876.2).

ClinVar aggregate classification (germline): Uncertain significance (1 of 4 stars; one submission).

Conditions:
Intellectual disability, autosomal dominant 24 (VSVS). Also called: VULTO-VAN SILFHOUT-DE VRIES SYNDROME. Identifiers: MedGen C4014414, MONDO:0014357, OMIM 615828.

Submission:

Dasa
Classification: Uncertain significance for Intellectual disability, autosomal dominant 24. Last evaluated: 2026-01-12. Review status: criteria provided, single submitter. Criteria: DASA Assertion Criteria. Collection method: clinical testing. Allele origin: germline.
Comment: NM_021008.4(DEAF1):c.430G>A (p.Glu144Lys) is a missense variant that results in the substitution of glutamic acid with lysine. This variant is rare in population databases. Computational prediction algorithms are consistent with a benign effect. The currently available literature and clinical evidence are not sufficient to establish a definitive association between this variant and the reported condition. Therefore, this variant is classified as a variant of uncertain significance.